The following is an entry in ClinVar:

NM_207118.3(GTF2H5):c.122C>T (p.Thr41Ile)

Gene: GTF2H5 (general transcription factor IIH subunit 5; plus strand). Cytogenetic location: 6q25.3.
Variant type: single nucleotide variant.
Coding change: c.122C>T on transcript NM_207118.3 (MANE Select); coding-DNA position 122, C replaced by T.
Protein change: p.Thr41Ile; replaces threonine 41 with isoleucine.
Molecular consequence: missense variant.
Genome position (GRCh38, 1-based): chr6:158,192,063, C>T. VCF-style: chr6-158192063-C-T. GRCh37 (hg19) VCF-style: chr6-158613095-C-T.
Other names: short protein forms T41I.
Identifiers: ClinVar variation 1522370 (VCV001522370.5), dbSNP rs956068957, ClinGen allele CA150918547.
Genomic context (GRCh38, chr6:158,192,063, plus strand): 5'-TGTACTTGGATGAGTCCAATGCCCTGGGGAAGAAGTTCATCATTCAAGACATTGATGACA[C>T]TCACGTCTTTGTAATAGCAGAATTGGTTAATGTCCTCCAGGAGCGAGTGGGTGAATTAAT-3'
Protein context (NP_997001.1, residues 31-51): KKFIIQDIDD[Thr41Ile]HVFVIAELVN

ClinVar aggregate classification (germline): Uncertain significance (1 of 4 stars; one submission).

Allele frequency attached by ClinVar (database versions not stated): gnomAD 0.00001; gnomAD exomes 0.00001; TOPMed 0.00001.
gnomAD v4.1: 15 of 1,612,172 alleles (0.00093%); highest among the groups gnomAD compares: Non-Finnish European, 0.0012%; no homozygotes.

Submission:

Labcorp Genetics (formerly Invitae), Labcorp
Classification: Uncertain significance. Last evaluated: 2021-09-24. Review status: criteria provided, single submitter. Criteria: Invitae Variant Classification Sherloc (09022015). Collection method: clinical testing. Allele origin: germline.
Comment: This sequence change replaces threonine with isoleucine at codon 41 of the GTF2H5 protein (p.Thr41Ile). The threonine residue is highly conserved and there is a moderate physicochemical difference between threonine and isoleucine. This variant is not present in population databases (ExAC no frequency). This variant has not been reported in the literature in individuals with GTF2H5-related conditions. Algorithms developed to predict the effect of missense changes on protein structure and function are either unavailable or do not agree on the potential impact of this missense change (SIFT: "Deleterious"; PolyPhen-2: "Benign"; Align-GVGD: "Class C15"). In summary, the available evidence is currently insufficient to determine the role of this variant in disease. Therefore, it has been classified as a Variant of Uncertain Significance.